The following is an entry in ClinVar:

ClinVar aggregate classification (germline): Uncertain significance (1 of 4 stars; one submission).

Submission:

GeneDx
Classification: Uncertain significance. Last evaluated: 2024-12-09. Review status: criteria provided, single submitter. Criteria: GeneDx Variant Classification Process June 2021. Collection method: clinical testing. Allele origin: germline. Affected: yes.
Comment: Not observed at significant frequency in large population cohorts (gnomAD); In silico analysis indicates that this missense variant does not alter protein structure/function; Has not been previously published as pathogenic or benign to our knowledge

NM_016366.3(CABP2):c.20G>A (p.Arg7Gln)

Gene: CABP2 (calcium binding protein 2; minus strand). Cytogenetic location: 11q13.2.
Variant type: single nucleotide variant.
Coding change: c.20G>A on transcript NM_016366.3 (MANE Select); coding-DNA position 20, G replaced by A.
Protein change: p.Arg7Gln; replaces arginine 7 with glutamine.
Molecular consequence: missense variant.
Genome position (GRCh38, 1-based): chr11:67,523,307, C>T on the plus strand (G>A on the coding strand, the complement: CABP2 is on the minus strand). VCF-style: chr11-67523307-C-T. GRCh37 (hg19) VCF-style: chr11-67290778-C-T.
Other names: c.34G>A, p.Gly12Ser (NM_001318496.2); short protein forms G12S, R7Q.
Identifiers: ClinVar variation 3901518 (VCV003901518.1).